The following is an entry in ClinVar:

ClinVar aggregate classification (germline): Likely pathogenic (1 of 4 stars; one submission).

Conditions:
Bloom syndrome (BLM). Also called: Bloom-Torre-Machacek syndrome. Identifiers: Orphanet 125, MedGen C0005859, MONDO:0008876, OMIM 210900.

Submission:

Labcorp Genetics (formerly Invitae), Labcorp
Classification: Likely pathogenic for Bloom syndrome. Last evaluated: 2025-11-19. Review status: criteria provided, single submitter. Criteria: Invitae Variant Classification Sherloc (09022015). Collection method: clinical testing. Allele origin: germline.
Comment: This sequence change affects an acceptor splice site in intron 20 of the BLM gene. It is expected to disrupt RNA splicing. Variants that disrupt the donor or acceptor splice site typically lead to a loss of protein function (PMID: 16199547), and loss-of-function variants in BLM are known to be pathogenic (PMID: 17407155). This variant is not present in population databases (gnomAD no frequency). This variant has not been reported in the literature in individuals affected with BLM-related conditions. ClinVar contains an entry for this variant (Variation ID: 1507119). Algorithms developed to predict the effect of sequence changes on RNA splicing suggest that this variant may disrupt the consensus splice site. In summary, the currently available evidence indicates that the variant is pathogenic, but additional data are needed to prove that conclusively. Therefore, this variant has been classified as Likely Pathogenic.

Literature cited by the submitters: PubMed 16199547; PubMed 17407155.

NM_000057.4(BLM):c.3875-2A>T

Gene: BLM (BLM RecQ like helicase; plus strand). Cytogenetic location: 15q26.1.
Variant type: single nucleotide variant.
Coding change: c.3875-2A>T on transcript NM_000057.4 (MANE Select); the canonical splice acceptor site of the intron before coding-DNA position 3875, A replaced by T.
Molecular consequence: splice acceptor variant.
Genome position (GRCh38, 1-based): chr15:90,811,203, A>T. VCF-style: chr15-90811203-A-T. GRCh37 (hg19) VCF-style: chr15-91354433-A-T.
Other names: c.3875-2A>T (NM_001287246.2); c.2750-2A>T (NM_001287248.2); c.3482-2A>T (NM_001287247.2).
Identifiers: ClinVar variation 1507119 (VCV001507119.8), dbSNP rs150421256, ClinGen allele CA393850324.